The following is an entry in ClinVar:

ClinVar aggregate classification (germline): Likely pathogenic (1 of 4 stars; one submission).

Submission:

Dasa
Classification: Likely pathogenic. Last evaluated: 2024-10-03. Review status: criteria provided, single submitter. Criteria: DASA Assertion Criteria. Collection method: clinical testing. Allele origin: germline.
Comment: NM_001377.3(DYNC2H1):c.5128del (p.Val1710Phefs*2) is a frameshift variant in DYNC2H1 predicted to alter the reading frame and introduce a premature termination codon and is predicted to result in an absent or altered protein product. Loss of function is an established disease mechanism for DYNC2H1-associated disorders. Also, this variant is absent from population databases. Based on the currently available evidence, this variant is classified as likely pathogenic.

NM_001377.3(DYNC2H1):c.5128del (p.Val1710fs)

Gene: DYNC2H1 (dynein cytoplasmic 2 heavy chain 1; plus strand). Cytogenetic location: 11q22.3.
Variant type: Deletion.
Coding change: c.5128del on transcript NM_001377.3 (MANE Select); coding-DNA position 5128, one base deleted (G; older notation c.5128delG).
Protein change: p.Val1710fs; shifts the reading frame from valine 1710.
Molecular consequence: frameshift variant.
Genome position (GRCh38, 1-based): chr11:103,170,267, G deleted. VCF-style (leftmost placement, unchanged base first): chr11-103170266-AG-A. GRCh37 (hg19) VCF-style: chr11-103040995-AG-A.
Other names: c.5128del, p.Val1710fs (NM_001080463.2); short protein forms V1710fs.
Identifiers: ClinVar variation 4880581 (VCV004880581.2).